The following is an entry in ClinVar:

NM_001384140.1(PCDH15):c.4671+1053A>C

Gene: PCDH15 (protocadherin related 15; minus strand). Cytogenetic location: 10q21.1.
Variant type: single nucleotide variant.
Coding change: c.4671+1053A>C on transcript NM_001384140.1 (MANE Select); 1053 bases into the intron after coding-DNA position 4671, A replaced by C.
Molecular consequence: intron variant. On other transcripts: missense variant (3).
Genome position (GRCh38, 1-based): chr10:53,809,503, T>G on the plus strand (A>C on the coding strand, the complement: PCDH15 is on the minus strand). VCF-style: chr10-53809503-T-G. GRCh37 (hg19) VCF-style: chr10-55569263-T-G.
Other names: c.4562A>C, p.Glu1521Ala (NM_001142769.4); c.4597A>C, p.Ser1533Arg (NM_001142770.3); c.4541A>C, p.Glu1514Ala (NM_001354411.2); c.4476+1053A>C (NM_001354420.2); c.4605+1053A>C (NM_001354429.2); c.4482+1053A>C (NM_001142772.2); c.4497+1053A>C (NM_001142771.2); short protein forms E1521A, S1533R, E1514A.
Identifiers: ClinVar variation 178678 (VCV000178678.22), dbSNP rs149208928, ClinGen allele CA182766.

ClinVar aggregate classification (germline): Benign/Likely benign. Review status: criteria provided, multiple submitters, no conflicts (2 of 4 stars). 7 submissions from 7 submitters: Benign (2); Likely benign (2). 3 of the submissions do not count toward it. Last evaluated 2024-11-14.

Conditions:
PCDH15-related disorder. Also called: PCDH15-related condition; PCDH15-related disorders.

Allele frequency attached by ClinVar (database versions not stated): gnomAD exomes 0.00043 and 0.00128; gnomAD 0.00530 and 0.00562; ExAC 0.00152; ESP Exome Variant Server 0.00583; 1000 Genomes Project 0.00599; TOPMed 0.00585; 1000 Genomes Project 30x 0.00640.
gnomAD v4.1: 1,457 of 1,611,732 alleles (0.09%); highest among the groups gnomAD compares: African/African-American, 1.8%; 16 homozygotes.

Submissions (7):

Blueprint Genetics
Classification: Likely benign. Last evaluated: 2024-11-14. Review status: criteria provided, single submitter. Criteria: ACMG Guidelines, 2015. Collection method: clinical testing. Allele origin: germline.

Labcorp Genetics (formerly Invitae), Labcorp
Classification: Benign. Last evaluated: 2023-07-03. Review status: criteria provided, single submitter. Criteria: Invitae Variant Classification Sherloc (09022015). Collection method: clinical testing. Allele origin: germline.

GeneDx
Classification: Likely benign. Last evaluated: 2017-12-26. Review status: criteria provided, single submitter. Criteria: GeneDx Variant Classification Process June 2021. Collection method: clinical testing. Allele origin: germline. Affected: yes.

Laboratory for Molecular Medicine, Mass General Brigham Personalized Medicine
Classification: Benign. Last evaluated: 2013-08-19. Review status: criteria provided, single submitter. Criteria: LMM Criteria. Collection method: clinical testing. Allele origin: germline. Observed: 9 variant alleles.
Comment: Glu1521Ala in Exon 37A of PCDH15: This variant is not expected to have clinical significance because it has been identified in 1.9% (60/3136) of African America n chromosomes from a broad population by the NHLBI Exome Sequencing Project (dbSNP rs149208928).

PreventionGenetics, part of Exact Sciences
Classification: Benign for PCDH15-related condition. Last evaluated: 2023-12-04. Review status: no assertion criteria provided. Collection method: clinical testing. Allele origin: germline. Not counted in ClinVar's aggregate classification.
Comment: This variant is classified as benign based on ACMG/AMP sequence variant interpretation guidelines (Richards et al. 2015 PMID: 25741868, with internal and published modifications).

Clinical Genetics DNA and cytogenetics Diagnostics Lab, Erasmus MC, Erasmus Medical Center
Classification: Benign. Review status: no assertion criteria provided. Collection method: clinical testing. Allele origin: germline. Affected: yes. Study: VKGL Data-share Consensus. Not counted in ClinVar's aggregate classification.

Clinical Genetics, Academic Medical Center
Classification: Benign. Review status: no assertion criteria provided. Collection method: clinical testing. Allele origin: germline. Affected: yes. Study: VKGL Data-share Consensus. Not counted in ClinVar's aggregate classification.